The following is an entry in ClinVar:

ClinVar aggregate classification (germline): Uncertain significance. Review status: criteria provided, multiple submitters, no conflicts (2 of 4 stars). 2 submissions from 2 submitters: Uncertain significance (2). Last evaluated 2026-03-25.

Submissions (2):

GeneDx
Classification: Uncertain significance. Last evaluated: 2026-03-25. Review status: criteria provided, single submitter. Criteria: GeneDx Variant Classification Process June 2021. Collection method: clinical testing. Allele origin: germline.
Comment: Not observed at significant frequency in large population cohorts (gnomAD); In silico analysis supports that this missense variant has a deleterious effect on protein structure/function; Has not been previously published as pathogenic or benign to our knowledge; This variant is associated with the following publications: (PMID: 20619386, 22315494)

Blueprint Genetics
Classification: Uncertain significance. Last evaluated: 2024-08-05. Review status: criteria provided, single submitter. Criteria: ACMG Guidelines, 2015. Collection method: clinical testing. Allele origin: germline.

NM_005188.4(CBL):c.1204A>C (p.Thr402Pro)

Gene: CBL (Cbl proto-oncogene; plus strand). Cytogenetic location: 11q23.3.
Variant type: single nucleotide variant.
Coding change: c.1204A>C on transcript NM_005188.4 (MANE Select); coding-DNA position 1204, A replaced by C.
Protein change: p.Thr402Pro; replaces threonine 402 with proline.
Molecular consequence: missense variant.
Genome position (GRCh38, 1-based): chr11:119,278,274, A>C. VCF-style: chr11-119278274-A-C. GRCh37 (hg19) VCF-style: chr11-119148984-A-C.
Other names: c.1204A>C (NM_005188.2); short protein forms T402P.
Identifiers: ClinVar variation 4914438 (VCV004914438.2).